The following is an entry in ClinVar:

ClinVar aggregate classification (germline): Uncertain significance. Review status: criteria provided, multiple submitters, no conflicts (2 of 4 stars). 2 submissions from 2 submitters: Uncertain significance (2). Last evaluated 2025-03-08.

Conditions:
Leukocyte adhesion deficiency 3. Also called: Leukocyte adhesion deficiency, type III; INTEGRIN ACTIVATION DEFICIENCY DISEASE; LEUKOCYTE ADHESION DEFICIENCY 1 VARIANT. Identifiers: Orphanet 2968, Orphanet 99844, MedGen C2748536, MONDO:0013016, OMIM 612840.

Allele frequency attached by ClinVar (database versions not stated): gnomAD 0.00007; 1000 Genomes Project 30x 0.00016; 1000 Genomes Project 0.00020.
gnomAD v4.1: 14 of 1,611,514 alleles (0.00087%); highest among the groups gnomAD compares: African/African-American, 0.016%; no homozygotes.

Submissions (4):

GeneDx
Classification: Uncertain significance. Last evaluated: 2025-03-08. Review status: criteria provided, single submitter. Criteria: GeneDx Variant Classification Process June 2021. Collection method: clinical testing. Allele origin: germline. Affected: yes.
Comment: In silico analysis supports that this missense variant has a deleterious effect on protein structure/function; Has not been previously published as pathogenic or benign to our knowledge

Labcorp Genetics (formerly Invitae), Labcorp
Classification: Uncertain significance for Leukocyte adhesion deficiency 3. Last evaluated: 2025-01-27. Review status: criteria provided, single submitter. Criteria: Invitae Variant Classification Sherloc (09022015). Collection method: clinical testing. Allele origin: germline.
Comment: This sequence change replaces arginine, which is basic and polar, with serine, which is neutral and polar, at codon 506 of the FERMT3 protein (p.Arg506Ser). The frequency data for this variant in the population databases is considered unreliable, as metrics indicate poor data quality at this position in the gnomAD database. This variant has not been reported in the literature in individuals affected with FERMT3-related conditions. ClinVar contains an entry for this variant (Variation ID: 1475579). Invitae Evidence Modeling of protein sequence and biophysical properties (such as structural, functional, and spatial information, amino acid conservation, physicochemical variation, residue mobility, and thermodynamic stability) indicates that this missense variant is expected to disrupt FERMT3 protein function with a positive predictive value of 80%. In summary, the available evidence is currently insufficient to determine the role of this variant in disease. Therefore, it has been classified as a Variant of Uncertain Significance.

Dr. Peter K. Rogan Lab, Western University
No classification provided (evidence only). Condition: Melanoma. Review status: no classification provided. Collection method: in vitro. Allele origin: not applicable. Functional consequence: retained intron. Not counted in ClinVar's aggregate classification.

Dr. Peter K. Rogan Lab, Western University
No classification provided (evidence only). Condition: Cervical cancer. Review status: no classification provided. Collection method: in vitro. Allele origin: not applicable. Functional consequence: skipped exon. Not counted in ClinVar's aggregate classification.

NM_031471.6(FERMT3):c.1516C>A (p.Arg506Ser)

Gene: FERMT3 (FERM domain containing kindlin 3; plus strand). Cytogenetic location: 11q13.1.
Variant type: single nucleotide variant.
Coding change: c.1516C>A on transcript NM_031471.6 (MANE Select); coding-DNA position 1516, C replaced by A.
Protein change: p.Arg506Ser; replaces arginine 506 with serine.
Molecular consequence: missense variant.
Genome position (GRCh38, 1-based): chr11:64,220,640, C>A. VCF-style: chr11-64220640-C-A. GRCh37 (hg19) VCF-style: chr11-63988112-C-A.
Other names: c.1516C>A, p.Arg506Ser (NM_001382361.1, NM_001382448.1); c.1528C>A, p.Arg510Ser (NM_001382362.1, NM_178443.3); c.976C>A, p.Arg326Ser (NM_001382363.1); c.988C>A, p.Arg330Ser (NM_001382364.1); short protein forms R506S, R330S, R510S, R326S.
Identifiers: ClinVar variation 1475579 (VCV001475579.11), dbSNP rs184091587, ClinGen allele CA6069187.